The following is an entry in ClinVar:

ClinVar aggregate classification (germline): Uncertain significance (1 of 4 stars; one submission).

gnomAD v4.1: 1 of 1,613,956 alleles (0.000062%); highest among the groups gnomAD compares: Non-Finnish European, 0.000085%; no homozygotes.

Submission:

GeneDx
Classification: Uncertain significance. Last evaluated: 2023-02-16. Review status: criteria provided, single submitter. Criteria: GeneDx Variant Classification Process June 2021. Collection method: clinical testing. Allele origin: germline. Affected: yes.
Comment: Not observed at significant frequency in large population cohorts (gnomAD); In silico analysis supports that this missense variant has a deleterious effect on protein structure/function; Has not been previously published as pathogenic or benign to our knowledge

NM_001303052.2(MYT1L):c.122A>G (p.His41Arg)

Gene: MYT1L (myelin transcription factor 1 like; minus strand). Cytogenetic location: 2p25.3.
Variant type: single nucleotide variant.
Coding change: c.122A>G on transcript NM_001303052.2 (MANE Select); coding-DNA position 122, A replaced by G.
Protein change: p.His41Arg; replaces histidine 41 with arginine.
Molecular consequence: missense variant.
Genome position (GRCh38, 1-based): chr2:1,979,195, T>C on the plus strand (A>G on the coding strand, the complement: MYT1L is on the minus strand). VCF-style: chr2-1979195-T-C. GRCh37 (hg19) VCF-style: chr2-1982967-T-C.
Other names: c.122A>G, p.His41Arg (NM_001329844.2, NM_001329845.1, NM_001329846.3 and 6 more transcripts); short protein forms H41R.
Identifiers: ClinVar variation 2576657 (VCV002576657.1), dbSNP rs2551229241, ClinGen allele CA345864885.
Genomic context (GRCh38, chr2:1,979,195, plus strand): 5'-ACATTGTGGAAAAAAAAATGCAGGCATTACCTTCTGTGTCTTGCATATTTGCCACTGACA[T>C]GACCACTGCCGTCACAGCCAGGGGTGGGACAGCTGCAACAGGAAAGAATGGATTACACGG-3'
Protein context (NP_001289981.1, residues 31-51): CPTPGCDGSG[His41Arg]VSGKYARHRS